The following is an entry in ClinVar:

ClinVar aggregate classification (germline): Uncertain significance (1 of 4 stars; one submission).

Conditions:
Atrial fibrillation, familial, 7 (ATFB7). Identifiers: MedGen C2677106, MONDO:0012828, OMIM 612240.

Allele frequency attached by ClinVar (database versions not stated): gnomAD exomes below 0.00001.

Submission:

Labcorp Genetics (formerly Invitae), Labcorp
Classification: Uncertain significance for Atrial fibrillation, familial, 7. Last evaluated: 2022-10-08. Review status: criteria provided, single submitter. Criteria: Invitae Variant Classification Sherloc (09022015). Collection method: clinical testing. Allele origin: germline.
Comment: In summary, the available evidence is currently insufficient to determine the role of this variant in disease. Therefore, it has been classified as a Variant of Uncertain Significance. This sequence change replaces glutamic acid, which is acidic and polar, with glutamine, which is neutral and polar, at codon 538 of the KCNA5 protein (p.Glu538Gln). This variant is not present in population databases (gnomAD no frequency). This variant has not been reported in the literature in individuals affected with KCNA5-related conditions. Algorithms developed to predict the effect of missense changes on protein structure and function are either unavailable or do not agree on the potential impact of this missense change (SIFT: "Tolerated"; PolyPhen-2: "Possibly Damaging"; Align-GVGD: "Class C0").

NM_002234.4(KCNA5):c.1612G>C (p.Glu538Gln)

Gene: KCNA5 (potassium voltage-gated channel subfamily A member 5; plus strand). Cytogenetic location: 12p13.32.
Variant type: single nucleotide variant.
Coding change: c.1612G>C on transcript NM_002234.4 (MANE Select); coding-DNA position 1612, G replaced by C.
Protein change: p.Glu538Gln; replaces glutamic acid 538 with glutamine.
Molecular consequence: missense variant.
Genome position (GRCh38, 1-based): chr12:5,045,759, G>C. VCF-style: chr12-5045759-G-C. GRCh37 (hg19) VCF-style: chr12-5154925-G-C.
Other names: short protein forms E538Q.
Identifiers: ClinVar variation 2144002 (VCV002144002.4), dbSNP rs528221767, ClinGen allele CA231869167.